The following is an entry in ClinVar:

NM_181336.4(LEMD2):c.38T>G (p.Leu13Arg)

Genes: LEMD2 (LEM domain nuclear envelope protein 2; minus strand), LOC129996186 (ATAC-STARR-seq lymphoblastoid silent region 17057; plus strand). Cytogenetic location: 6p21.31.
Variant type: single nucleotide variant.
Coding change: c.38T>G on transcript NM_181336.4 (MANE Select); coding-DNA position 38, T replaced by G.
Protein change: p.Leu13Arg; replaces leucine 13 with arginine.
Molecular consequence: missense variant. On other transcripts: 5 prime UTR variant (1).
Genome position (GRCh38, 1-based): chr6:33,789,079, A>C on the plus strand (T>G on the coding strand, the complement: LEMD2 is on the minus strand). VCF-style: chr6-33789079-A-C. GRCh37 (hg19) VCF-style: chr6-33756856-A-C.
Other names: c.-475T>G (NM_001348709.2); c.38T>G, p.Leu13Arg (NM_001348710.2); short protein forms L13R.
Identifiers: ClinVar variation 235192 (VCV000235192.4), dbSNP rs878852983, ClinGen allele CA10581242.

ClinVar aggregate classification (germline): Pathogenic. Review status: criteria provided, multiple submitters, no conflicts (2 of 4 stars). 3 submissions from 3 submitters: Pathogenic (2). 1 of the submissions does not count toward it. Last evaluated 2022-12-30.

Conditions:
Cataract 46 juvenile-onset. Also called: CATARACT 46, JUVENILE-ONSET, WITH OR WITHOUT ARRHYTHMIC CARDIOMYOPATHY. Identifiers: Orphanet 91492, MedGen C0220721, MONDO:0008925, OMIM 212500.
LEMD2-related disorders.

Submissions (3):

Blueprint Genetics
Classification: Pathogenic for LEMD2-related disorders. Last evaluated: 2022-12-30. Review status: criteria provided, single submitter. Criteria: ACMG Guidelines, 2015. Collection method: clinical testing. Allele origin: germline. Affected: yes. Observed: 4 variant alleles.

Lupski Lab, Baylor-Hopkins CMG, Baylor College of Medicine
Classification: Pathogenic for Cataract, congenital or juvenile (Hutterite type included). Last evaluated: 2015-11-01. Review status: criteria provided, single submitter. Criteria: Boone et al. (Mol Genet Genomic Med. 2015). Collection method: research. Allele origin: germline. Inheritance: Autosomal recessive inheritance. Affected: yes and no. Observed: 39 variant alleles, 22 heterozygotes, 17 homozygotes. Clinical features observed: Juvenile cataract (HP:0001118).
Comment: This variant co-segregates with juvenile cataracts in 39 family members (including 17 affected individuals [homozygous], 22 obligate carriers) across multiple sibships within a large Hutterite population. A potential association with sudden cardiac death is also observed.

OMIM
Classification: Pathogenic for CATARACT 46, JUVENILE-ONSET, WITH OR WITHOUT ARRHYTHMIC CARDIOMYOPATHY. Last evaluated: 2020-02-13. Review status: no assertion criteria provided. Collection method: literature only. Allele origin: germline. Not counted in ClinVar's aggregate classification.

Literature cited by the submitters: PubMed 26788539 (cited by OMIM); PubMed 23863954 (cited by OMIM); PubMed 4061486 (cited by OMIM); PubMed 31061923 (cited by OMIM).